The following is an entry in ClinVar:

NM_001308093.3(GATA4):c.590A>T (p.Asn197Ile)

Gene: GATA4 (GATA binding protein 4). Cytogenetic location: 8p23.1.
Variant type: single nucleotide variant.
Coding change: c.590A>T on transcript NM_001308093.3 (MANE Select); coding-DNA position 590, A replaced by T.
Protein change: p.Asn197Ile; replaces asparagine 197 with isoleucine.
Molecular consequence: missense variant. On other transcripts: intron variant (3).
Genome position (GRCh38, 1-based): chr8:11,708,902, A>T. VCF-style: chr8-11708902-A-T. GRCh37 (hg19) VCF-style: chr8-11566411-A-T.
Other names: c.590A>T (NM_002052.3); c.590A>T, p.Asn197Ile (NM_002052.5); c.-6+8124A>T (NM_001308094.2); c.-3+888A>T (NM_001374274.1); c.-3+4598A>T (NM_001374273.1); short protein forms N197I.
Identifiers: ClinVar variation 1367568 (VCV001367568.7), dbSNP rs1050253618, ClinGen allele CA370309946.

ClinVar aggregate classification (germline): Uncertain significance. Review status: criteria provided, multiple submitters, no conflicts (2 of 4 stars). 2 submissions from 2 submitters: Uncertain significance (2). Last evaluated 2023-12-10.

Conditions:
Atrioventricular septal defect 4 (AVSD4). Identifiers: MedGen C3280781, MONDO:0013747, OMIM 614430.

Allele frequency attached by ClinVar (database versions not stated): gnomAD exomes below 0.00001.
gnomAD v4.1: 1 of 1,524,752 alleles (0.000066%); highest among the groups gnomAD compares: Non-Finnish European, 0.000088%; no homozygotes.

Submissions (2):

GeneDx
Classification: Uncertain significance. Last evaluated: 2023-12-10. Review status: criteria provided, single submitter. Criteria: GeneDx Variant Classification Process June 2021. Collection method: clinical testing. Allele origin: germline. Affected: yes.
Comment: Not observed at significant frequency in large population cohorts (gnomAD); In silico analysis supports that this missense variant does not alter protein structure/function; Has not been previously published as pathogenic or benign to our knowledge; This variant is associated with the following publications: (PMID: 22648249)

Labcorp Genetics (formerly Invitae), Labcorp
Classification: Uncertain significance for Atrioventricular septal defect 4. Last evaluated: 2021-10-20. Review status: criteria provided, single submitter. Criteria: Invitae Variant Classification Sherloc (09022015). Collection method: clinical testing. Allele origin: germline.
Comment: This sequence change replaces asparagine, which is neutral and polar, with isoleucine, which is neutral and non-polar, at codon 197 of the GATA4 protein (p.Asn197Ile). This variant is not present in population databases (gnomAD no frequency). This variant has not been reported in the literature in individuals affected with GATA4-related conditions. Algorithms developed to predict the effect of missense changes on protein structure and function (SIFT, PolyPhen-2, Align-GVGD) all suggest that this variant is likely to be tolerated. In summary, the available evidence is currently insufficient to determine the role of this variant in disease. Therefore, it has been classified as a Variant of Uncertain Significance.